The following is an entry in ClinVar:

NM_000059.4(BRCA2):c.6251A>C (p.Asp2084Ala)

Gene: BRCA2 (BRCA2 DNA repair associated; plus strand). Cytogenetic location: 13q13.1.
Variant type: single nucleotide variant.
Coding change: c.6251A>C on transcript NM_000059.4 (MANE Select); coding-DNA position 6251, A replaced by C.
Protein change: p.Asp2084Ala; replaces aspartic acid 2084 with alanine.
Molecular consequence: missense variant. On other transcripts: non-coding transcript variant (1), intron variant (2).
Genome position (GRCh38, 1-based): chr13:32,340,606, A>C. VCF-style: chr13-32340606-A-C. GRCh37 (hg19) VCF-style: chr13-32914743-A-C.
Other names: c.6251A>C, p.Asp2084Ala (NM_001406719.1, NM_001406720.1, NM_001432077.1); c.1910-3952A>C (NM_001406721.1); c.425-3952A>C (NM_001406722.1); short protein forms D2084A.
Identifiers: ClinVar variation 3482213 (VCV003482213.2).

ClinVar aggregate classification (germline): Uncertain significance. Review status: criteria provided, multiple submitters, no conflicts (2 of 4 stars). 2 submissions from 2 submitters: Uncertain significance (2). Last evaluated 2025-01-13.

Conditions:
Hereditary cancer-predisposing syndrome. Also called: Tumor predisposition; Neoplastic Syndromes, Hereditary; Hereditary Cancer Syndrome; Hereditary neoplastic syndrome. Identifiers: Orphanet 140162, MedGen C0027672, MeSH D009386, MONDO:0015356.

Submissions (2):

Color Diagnostics, LLC DBA Color Health
Classification: Uncertain significance for Hereditary cancer-predisposing syndrome. Last evaluated: 2025-01-13. Review status: criteria provided, single submitter. Criteria: ACMG Guidelines, 2015. Collection method: clinical testing. Allele origin: germline.
Comment: This missense variant replaces aspartic acid with alanine at codon 2084 of the BRCA2 protein. Computational prediction is inconclusive regarding the impact of this variant on protein structure and function (internally defined REVEL score threshold 0.5 < inconclusive < 0.7, PMID: 27666373). To our knowledge, functional studies have not been reported for this variant. This variant has not been reported in individuals affected with BRCA2-related disorders in the literature. This variant has not been identified in the general population by the Genome Aggregation Database (gnomAD). The available evidence is insufficient to determine the role of this variant in disease conclusively. Therefore, this variant is classified as a Variant of Uncertain Significance.

Ambry Genetics
Classification: Uncertain significance for Hereditary cancer-predisposing syndrome. Last evaluated: 2024-12-02. Review status: criteria provided, single submitter. Criteria: Ambry Variant Classification Scheme 2023. Collection method: clinical testing. Allele origin: germline.
Comment: The p.D2084A variant (also known as c.6251A>C), located in coding exon 10 of the BRCA2 gene, results from an A to C substitution at nucleotide position 6251. The aspartic acid at codon 2084 is replaced by alanine, an amino acid with dissimilar properties. This amino acid position is conserved. In addition, the in silico prediction for this alteration is inconclusive. Based on the available evidence, the clinical significance of this variant remains unclear.